The following is an entry in ClinVar:

NM_001083116.3(PRF1):c.1454A>G (p.Gln485Arg)

Gene: PRF1 (perforin 1; minus strand). Cytogenetic location: 10q22.1.
Variant type: single nucleotide variant.
Coding change: c.1454A>G on transcript NM_001083116.3 (MANE Select); coding-DNA position 1454, A replaced by G.
Protein change: p.Gln485Arg; replaces glutamine 485 with arginine.
Molecular consequence: missense variant.
Genome position (GRCh38, 1-based): chr10:70,598,267, T>C on the plus strand (A>G on the coding strand, the complement: PRF1 is on the minus strand). VCF-style: chr10-70598267-T-C. GRCh37 (hg19) VCF-style: chr10-72358023-T-C.
Other names: c.1454A>G, p.Gln485Arg (NM_005041.6); short protein forms Q485R.
Identifiers: ClinVar variation 1965285 (VCV001965285.4), dbSNP rs1468439631, ClinGen allele CA376955554.

ClinVar aggregate classification (germline): Uncertain significance (1 of 4 stars; one submission).

Conditions:
Familial hemophagocytic lymphohistiocytosis 2 (FHL2). Also called: PRF1-Related Familial Hemophagocytic Lymphohistiocytosis (PRF1-fHLH). Identifiers: Orphanet 540, MedGen C1863727, MONDO:0011337, OMIM 603553.

Allele frequency attached by ClinVar (database versions not stated): gnomAD exomes below 0.00001; TOPMed below 0.00001.

Submission:

Labcorp Genetics (formerly Invitae), Labcorp
Classification: Uncertain significance for Familial hemophagocytic lymphohistiocytosis 2. Last evaluated: 2024-10-15. Review status: criteria provided, single submitter. Criteria: Invitae Variant Classification Sherloc (09022015). Collection method: clinical testing. Allele origin: germline.
Comment: This sequence change replaces glutamine, which is neutral and polar, with arginine, which is basic and polar, at codon 485 of the PRF1 protein (p.Gln485Arg). This variant is not present in population databases (gnomAD no frequency). This variant has not been reported in the literature in individuals affected with PRF1-related conditions. ClinVar contains an entry for this variant (Variation ID: 1965285). Invitae Evidence Modeling of protein sequence and biophysical properties (such as structural, functional, and spatial information, amino acid conservation, physicochemical variation, residue mobility, and thermodynamic stability) indicates that this missense variant is not expected to disrupt PRF1 protein function with a negative predictive value of 95%. In summary, the available evidence is currently insufficient to determine the role of this variant in disease. Therefore, it has been classified as a Variant of Uncertain Significance.